The following is an entry in ClinVar:

ClinVar aggregate classification (germline): Conflicting classifications of pathogenicity. Review status: criteria provided, conflicting classifications (1 of 4 stars). 4 submissions from 4 submitters: Uncertain significance (1); Likely benign (3). Last evaluated 2026-01-11.

Conditions:
MCM3AP-related disorder. Also called: MCM3AP-related condition.

Allele frequency attached by ClinVar (database versions not stated): gnomAD exomes 0.00008 and 0.00015; ExAC 0.00019; 1000 Genomes Project 30x 0.00031; 1000 Genomes Project 0.00040; gnomAD 0.00063 and 0.00069; TOPMed 0.00076; ESP Exome Variant Server 0.00092.
gnomAD v4.1: 220 of 1,614,208 alleles (0.014%); highest among the groups gnomAD compares: African/African-American, 0.25%; 1 homozygote.

Submissions (4):

Labcorp Genetics (formerly Invitae), Labcorp
Classification: Likely benign. Last evaluated: 2026-01-11. Review status: criteria provided, single submitter. Criteria: Invitae Variant Classification Sherloc (09022015). Collection method: clinical testing. Allele origin: germline.

Mayo Clinic Laboratories, Mayo Clinic
Classification: Uncertain significance. Last evaluated: 2025-09-11. Review status: criteria provided, single submitter. Criteria: ACMG Guidelines, 2015. Collection method: clinical testing. Allele origin: germline. Observed: 1 variant allele.
Comment: BP4_moderate

PreventionGenetics, part of Exact Sciences
Classification: Likely benign for MCM3AP-related condition. Last evaluated: 2025-04-23. Review status: criteria provided, single submitter. Criteria: ACMG Guidelines, 2015. Collection method: clinical testing. Allele origin: germline.
Comment: This variant is classified as likely benign based on ACMG/AMP sequence variant interpretation guidelines (Richards et al. 2015 PMID: 25741868, with internal and published modifications).

Breakthrough Genomics
Classification: Likely benign. Review status: criteria provided, single submitter. Criteria: ACMG Guidelines, 2015. Collection method: not provided. Allele origin: germline. Inheritance: Autosomal recessive inheritance. Affected: yes.

NM_003906.5(MCM3AP):c.947C>T (p.Ser316Phe)

Gene: MCM3AP (minichromosome maintenance complex component 3 associated protein; minus strand). Cytogenetic location: 21q22.3.
Variant type: single nucleotide variant.
Coding change: c.947C>T on transcript NM_003906.5 (MANE Select); coding-DNA position 947, C replaced by T.
Protein change: p.Ser316Phe; replaces serine 316 with phenylalanine.
Molecular consequence: missense variant.
Genome position (GRCh38, 1-based): chr21:46,284,340, G>A on the plus strand (C>T on the coding strand, the complement: MCM3AP is on the minus strand). VCF-style: chr21-46284340-G-A. GRCh37 (hg19) VCF-style: chr21-47704254-G-A.
Other names: p.Ser316Phe; c.947C>T (NM_003906.4); short protein forms S316F.
Identifiers: ClinVar variation 1581219 (VCV001581219.11), dbSNP rs141089827, ClinGen allele CA10077230.